The following is an entry in ClinVar:

NM_002519.3(NPAT):c.2921C>A (p.Thr974Lys)

Gene: NPAT (nuclear protein, coactivator of histone transcription; minus strand). Cytogenetic location: 11q22.3.
Variant type: single nucleotide variant.
Coding change: c.2921C>A on transcript NM_002519.3 (MANE Select); coding-DNA position 2921, C replaced by A.
Protein change: p.Thr974Lys; replaces threonine 974 with lysine.
Molecular consequence: missense variant.
Genome position (GRCh38, 1-based): chr11:108,169,833, G>T on the plus strand (C>A on the coding strand, the complement: NPAT is on the minus strand). VCF-style: chr11-108169833-G-T. GRCh37 (hg19) VCF-style: chr11-108040560-G-T.
Other names: c.2921C>A, p.Thr974Lys (NM_001321307.1); short protein forms T974K.
Identifiers: ClinVar variation 3407232 (VCV003407232.1).

ClinVar aggregate classification (germline): Uncertain significance (1 of 4 stars; one submission).

Submission:

Ambry Genetics
Classification: Uncertain significance. Last evaluated: 2024-10-04. Review status: criteria provided, single submitter. Criteria: Ambry Variant Classification Scheme 2023. Collection method: clinical testing. Allele origin: germline.
Comment: The p.T974K variant (also known as c.2921C>A), located in coding exon 15 of the NPAT gene, results from a C to A substitution at nucleotide position 2921. The threonine at codon 974 is replaced by lysine, an amino acid with similar properties. This amino acid position is conserved. In addition, this alteration is predicted to be tolerated by in silico analysis. Based on the available evidence, the clinical significance of this variant remains unclear.